The following is an entry in ClinVar:

ClinVar aggregate classification (germline): Pathogenic/Likely pathogenic. Review status: criteria provided, multiple submitters, no conflicts (2 of 4 stars). 5 submissions from 5 submitters: Pathogenic (4); Likely pathogenic (1). Last evaluated 2025-06-04.

Conditions:
Tuberous sclerosis 1 (TSC1). Identifiers: Orphanet 805, MedGen C1854465, MONDO:0008612, OMIM 191100.

Submissions (5):

Myriad Genetics, Inc.
Classification: Likely pathogenic for Tuberous sclerosis 1. Last evaluated: 2025-06-04. Review status: criteria provided, single submitter. Criteria: Myriad Autosomal Dominant, Autosomal Recessive and X-Linked Classification Criteria (2023). Collection method: clinical testing. Allele origin: unknown.
Comment: This variant is considered likely pathogenic. This variant occurs within a consensus splice junction and is predicted to result in abnormal mRNA splicing of either an out-of-frame exon or an in-frame exon necessary for protein stability and/or normal function.

Mayo Clinic Laboratories, Mayo Clinic
Classification: Pathogenic. Last evaluated: 2023-07-25. Review status: criteria provided, single submitter. Criteria: ACMG Guidelines, 2015. Collection method: clinical testing. Allele origin: germline. Observed: 1 variant allele.
Comment: PP4, PM2_moderate, PM5, PVS1

Genome-Nilou Lab
Classification: Pathogenic for Tuberous sclerosis 1. Last evaluated: 2021-11-07. Review status: criteria provided, single submitter. Criteria: ACMG Guidelines, 2015. Collection method: clinical testing. Allele origin: germline. Affected: no.

Athena Diagnostics
Classification: Pathogenic. Last evaluated: 2019-02-01. Review status: criteria provided, single submitter. Criteria: Athena Diagnostics Criteria. Collection method: clinical testing. Allele origin: germline.
Comment: The variant disrupts a canonical splice site, and is therefore predicted to result in the loss of a functional protein. Found in at least one symptomatic patient, and not found in general population data.

GeneDx
Classification: Pathogenic. Last evaluated: 2015-04-14. Review status: criteria provided, single submitter. Criteria: GeneDx Variant Classification (06012015). Collection method: clinical testing. Allele origin: germline. Affected: yes.
Comment: The c.107-1 G>A splice site variant in the TSC1 gene destroys the canonical splice acceptor site in intron 3. It is predicted to cause abnormal gene splicing, either leading to an abnormal message that is subject to nonsense-mediated mRNA decay, or to an abnormal protein product if the message is used for protein translation. Although this variant has not been previously reported to our knowledge, we interpret c.107-1 G>A as a pathogenic variant.

NM_000368.5(TSC1):c.107-1G>A

Gene: TSC1 (TSC complex subunit 1; minus strand). Cytogenetic location: 9q34.13.
Variant type: single nucleotide variant.
Coding change: c.107-1G>A on transcript NM_000368.5 (MANE Select); the canonical splice acceptor site of the intron before coding-DNA position 107, G replaced by A.
Molecular consequence: splice acceptor variant. On other transcripts: intron variant (9).
Genome position (GRCh38, 1-based): chr9:132,927,305, C>T on the plus strand (G>A on the coding strand, the complement: TSC1 is on the minus strand). VCF-style: chr9-132927305-C-T. GRCh37 (hg19) VCF-style: chr9-135802692-C-T.
Other names: c.-153-1566G>A (NM_001406620.1, NM_001406618.1); c.-154+1462G>A (NM_001406625.1, NM_001406621.1, NM_001406617.1 and 3 more transcripts); c.107-1G>A (NM_001406613.1, NM_001406612.1, NM_001406610.1 and 21 more transcripts); c.-771-1G>A (NM_001406627.1, NM_001406628.1, NM_001406626.1); c.-913-1G>A (NM_001406629.1); c.-246+1462G>A (NM_001406614.1); c.-987-1G>A (NM_001406630.1); c.-349-1G>A (NM_001406624.1, NM_001406616.1); and 1 more.
Identifiers: ClinVar variation 418877 (VCV000418877.7), dbSNP rs1064793494, ClinGen allele CA16618780.